The following is an entry in ClinVar:

ClinVar aggregate classification (germline): Uncertain significance. Review status: criteria provided, multiple submitters, no conflicts (2 of 4 stars). 2 submissions from 2 submitters: Uncertain significance (2). Last evaluated 2024-01-10.

Conditions:
Hereditary cancer-predisposing syndrome. Also called: Neoplastic Syndromes, Hereditary; Hereditary Cancer Syndrome; Hereditary neoplastic syndrome; Tumor predisposition. Identifiers: Orphanet 140162, MedGen C0027672, MeSH D009386, MONDO:0015356.
Gastrointestinal stromal tumor. Also called: Gastrointestinal stromal tumor, somatic; Gastrointestinal stroma tumor. Identifiers: Orphanet 44890, MedGen C0238198, MeSH D046152, MONDO:0011719, OMIM 606764, HP:0100723.

Submissions (2):

Labcorp Genetics (formerly Invitae), Labcorp
Classification: Uncertain significance for Gastrointestinal stromal tumor. Last evaluated: 2024-01-10. Review status: criteria provided, single submitter. Criteria: Invitae Variant Classification Sherloc (09022015). Collection method: clinical testing. Allele origin: germline.
Comment: This sequence change replaces methionine, which is neutral and non-polar, with valine, which is neutral and non-polar, at codon 651 of the KIT protein (p.Met651Val). This variant is present in population databases (rs534209826, gnomAD 0.0009%). This variant has not been reported in the literature in individuals affected with KIT-related conditions. ClinVar contains an entry for this variant (Variation ID: 1009134). Algorithms developed to predict the effect of missense changes on protein structure and function output the following: SIFT: "Not Available"; PolyPhen-2: "Benign"; Align-GVGD: "Not Available". The valine amino acid residue is found in multiple mammalian species, which suggests that this missense change does not adversely affect protein function. In summary, the available evidence is currently insufficient to determine the role of this variant in disease. Therefore, it has been classified as a Variant of Uncertain Significance.

Ambry Genetics
Classification: Uncertain significance for Hereditary cancer-predisposing syndrome. Last evaluated: 2020-09-03. Review status: criteria provided, single submitter. Criteria: Ambry Variant Classification Scheme 2023. Collection method: clinical testing. Allele origin: germline.
Comment: The p.M651V variant (also known as c.1951A>G), located in coding exon 13 of the KIT gene, results from an A to G substitution at nucleotide position 1951. The methionine at codon 651 is replaced by valine, an amino acid with highly similar properties. This amino acid position is not well conserved in available vertebrate species, and valine is the reference amino acid in other vertebrate species. In addition, this alteration is predicted to be tolerated by in silico analysis. Since supporting evidence is limited at this time, the clinical significance of this alteration remains unclear.

NM_000222.3(KIT):c.1951A>G (p.Met651Val)

Gene: KIT (KIT proto-oncogene, receptor tyrosine kinase; plus strand). Cytogenetic location: 4q12.
Variant type: single nucleotide variant.
Coding change: c.1951A>G on transcript NM_000222.3 (MANE Select); coding-DNA position 1951, A replaced by G.
Protein change: p.Met651Val; replaces methionine 651 with valine.
Molecular consequence: missense variant.
Genome position (GRCh38, 1-based): chr4:54,728,082, A>G. VCF-style: chr4-54728082-A-G. GRCh37 (hg19) VCF-style: chr4-55594248-A-G.
Other names: c.1939A>G, p.Met647Val (NM_001093772.2, NM_001385286.1); c.1954A>G, p.Met652Val (NM_001385284.1, NM_001385290.1); c.1951A>G, p.Met651Val (NM_001385285.1); c.1942A>G, p.Met648Val (NM_001385288.1, NM_001385292.1); short protein forms M647V, M648V, M651V, M652V.
Identifiers: ClinVar variation 1009134 (VCV001009134.11), dbSNP rs534209826, ClinGen allele CA2923615.